The following is an entry in ClinVar:

NM_006493.4(CLN5):c.460G>C (p.Asp154His)

Gene: CLN5 (CLN5 lysosomal BMP synthase; plus strand). Cytogenetic location: 13q22.3.
Variant type: single nucleotide variant.
Coding change: c.460G>C on transcript NM_006493.4 (MANE Select); coding-DNA position 460, G replaced by C.
Protein change: p.Asp154His; replaces aspartic acid 154 with histidine.
Molecular consequence: missense variant.
Genome position (GRCh38, 1-based): chr13:76,996,022, G>C. VCF-style: chr13-76996022-G-C. GRCh37 (hg19) VCF-style: chr13-77570157-G-C.
Other names: c.460G>C, p.Asp154His (NM_001366624.2); short protein forms D154H, D203H.
Identifiers: ClinVar variation 2416125 (VCV002416125.3), dbSNP rs756856250, ClinGen allele CA7007205.

ClinVar aggregate classification (germline): Uncertain significance. Review status: criteria provided, multiple submitters, no conflicts (2 of 4 stars). 2 submissions from 2 submitters: Uncertain significance (2). Last evaluated 2024-04-18.

Conditions:
Neuronal ceroid lipofuscinosis. Also called: Neuronal Ceroid Lipofuscinoses. Identifiers: Orphanet 216, Orphanet 79263, MedGen C0027877, MONDO:0016295. Disease mechanism: loss of function.
Inborn genetic diseases. Identifiers: MedGen C0950123, MeSH D030342.

Allele frequency attached by ClinVar (database versions not stated): gnomAD exomes 0.00001; ExAC 0.00002.
gnomAD v4.1: 8 of 1,614,176 alleles (0.0005%); highest among the groups gnomAD compares: South Asian, 0.0077%; no homozygotes.

Submissions (2):

Ambry Genetics
Classification: Uncertain significance for Inborn genetic diseases. Last evaluated: 2024-04-18. Review status: criteria provided, single submitter. Criteria: Ambry Variant Classification Scheme 2023. Collection method: clinical testing. Allele origin: germline.

Labcorp Genetics (formerly Invitae), Labcorp
Classification: Uncertain significance for Neuronal ceroid lipofuscinosis. Last evaluated: 2022-06-09. Review status: criteria provided, single submitter. Criteria: Invitae Variant Classification Sherloc (09022015). Collection method: clinical testing. Allele origin: germline.
Comment: This sequence change replaces aspartic acid, which is acidic and polar, with histidine, which is basic and polar, at codon 203 of the CLN5 protein (p.Asp203His). This variant is present in population databases (rs756856250, gnomAD 0.01%). This variant has not been reported in the literature in individuals affected with CLN5-related conditions. Algorithms developed to predict the effect of missense changes on protein structure and function are either unavailable or do not agree on the potential impact of this missense change (SIFT: "Tolerated"; PolyPhen-2: "Possibly Damaging"; Align-GVGD: "Class C0"). Algorithms developed to predict the effect of sequence changes on RNA splicing suggest that this variant may create or strengthen a splice site. In summary, the available evidence is currently insufficient to determine the role of this variant in disease. Therefore, it has been classified as a Variant of Uncertain Significance.